The following is an entry in ClinVar:

ClinVar aggregate classification (germline): Uncertain significance. Review status: criteria provided, multiple submitters, no conflicts (2 of 4 stars). 3 submissions from 3 submitters: Uncertain significance (3). Last evaluated 2026-06-04.

Conditions:
Cardiovascular phenotype. Identifiers: MedGen CN230736.
ALPK3-related disorder. Also called: ALPK3-related condition.

Allele frequency attached by ClinVar (database versions not stated): gnomAD exomes below 0.00001; TOPMed below 0.00001; gnomAD 0.00003.
gnomAD v4.1: 11 of 1,614,160 alleles (0.00068%); highest among the groups gnomAD compares: African/African-American, 0.004%; no homozygotes.

Submissions (3):

PreventionGenetics, part of Exact Sciences
Classification: Uncertain significance for ALPK3-related condition. Last evaluated: 2026-06-04. Review status: criteria provided, single submitter. Criteria: ACMG Guidelines, 2015. Collection method: clinical testing. Allele origin: germline.
Comment: The ALPK3 c.886G>A variant is predicted to result in the amino acid substitution p.Val296Ile. To our knowledge, this variant has not been reported in the literature. This variant is reported in 0.0033% of alleles in individuals of South Asian descent in gnomAD. At this time, the clinical significance of this variant is uncertain due to the absence of conclusive functional and genetic evidence.

Labcorp Genetics (formerly Invitae), Labcorp
Classification: Uncertain significance. Last evaluated: 2026-02-02. Review status: criteria provided, single submitter. Criteria: Invitae Variant Classification Sherloc (09022015). Collection method: clinical testing. Allele origin: germline.
Comment: This sequence change replaces valine, which is neutral and non-polar, with isoleucine, which is neutral and non-polar, at codon 296 of the ALPK3 protein (p.Val296Ile). This variant is present in population databases (no rsID available, gnomAD 0.003%). This variant has not been reported in the literature in individuals affected with ALPK3-related conditions. ClinVar contains an entry for this variant (Variation ID: 1989406). An algorithm developed to predict the effect of missense changes on protein structure and function (PolyPhen-2) suggests that this variant is likely to be disruptive. In summary, the available evidence is currently insufficient to determine the role of this variant in disease. Therefore, it has been classified as a Variant of Uncertain Significance.

Ambry Genetics
Classification: Uncertain significance for Cardiovascular phenotype. Last evaluated: 2024-05-20. Review status: criteria provided, single submitter. Criteria: Ambry Variant Classification Scheme 2023. Collection method: clinical testing. Allele origin: germline.
Comment: The p.V296I variant (also known as c.886G>A), located in coding exon 3 of the ALPK3 gene, results from a G to A substitution at nucleotide position 886. The valine at codon 296 is replaced by isoleucine, an amino acid with highly similar properties. This amino acid position is not well conserved in available vertebrate species. In addition, this alteration is predicted to be tolerated by in silico analysis. Based on the available evidence, the clinical significance of this variant remains unclear.

NM_020778.5(ALPK3):c.280G>A (p.Val94Ile)

Gene: ALPK3 (alpha kinase 3; plus strand). Cytogenetic location: 15q25.3.
Variant type: single nucleotide variant.
Coding change: c.280G>A on transcript NM_020778.5 (MANE Select); coding-DNA position 280, G replaced by A.
Protein change: p.Val94Ile; replaces valine 94 with isoleucine.
Molecular consequence: missense variant.
Genome position (GRCh38, 1-based): chr15:84,827,581, G>A. VCF-style: chr15-84827581-G-A. GRCh37 (hg19) VCF-style: chr15-85370812-G-A.
Other names: c.886G>A (NM_020778.4); short protein forms V94I.
Identifiers: ClinVar variation 1989406 (VCV001989406.6), dbSNP rs1001137642, ClinGen allele CA273657978.